The following is an entry in ClinVar:

ClinVar aggregate classification (germline): Likely benign (1 of 4 stars; one submission).

Allele frequency attached by ClinVar (database versions not stated): gnomAD 0.00038; TOPMed 0.00045.
gnomAD v4.1: 57 of 152,154 alleles (0.037%); highest among the groups gnomAD compares: Non-Finnish European, 0.069%; no homozygotes.

Submission:

CeGaT Center for Human Genetics Tuebingen
Classification: Likely benign. Last evaluated: 2026-04-01. Review status: criteria provided, single submitter. Criteria: CeGaT Center For Human Genetics Tuebingen Variant Classification Criteria Version 2. Collection method: clinical testing. Allele origin: germline. Affected: yes. Observed: 3 variant alleles.
Comment: ITCH: BP4, BP7

NM_031483.7(ITCH):c.70+3385C>T

Gene: ITCH (itchy E3 ubiquitin protein ligase; plus strand). Cytogenetic location: 20q11.22.
Variant type: single nucleotide variant.
Coding change: c.70+3385C>T on transcript NM_031483.7 (MANE Select); 3385 bases into the intron after coding-DNA position 70, C replaced by T.
Molecular consequence: intron variant.
Genome position (GRCh38, 1-based): chr20:34,397,266, C>T. VCF-style: chr20-34397266-C-T. GRCh37 (hg19) VCF-style: chr20-32985072-C-T.
Other names: c.70+3385C>T (NM_001324197.2, NM_001324198.2, NM_001257137.3); c.-119+3385C>T (NM_001257138.3).
Identifiers: ClinVar variation 2652267 (VCV002652267.24), dbSNP rs764361060, ClinGen allele CA313394066.
Genomic context (GRCh38, chr20:34,397,266, plus strand): 5'-AGAGACGAGGTTTCACCATCTTGACCAGGCTGGCCTTGAACTCCTGACCTCAGGATCCAC[C>T]CACCTCGGCCTCCCAAAGTACAGGGATTACAGGCGTGAGCCACCGCGTCCGGCCTGTAAG-3'